The following is an entry in ClinVar:

ClinVar aggregate classification (germline): Benign. Review status: criteria provided, multiple submitters, no conflicts (2 of 4 stars). 2 submissions from 2 submitters: Benign (2). Last evaluated 2016-03-29.

Allele frequency attached by ClinVar (database versions not stated): ESP Exome Variant Server 0.52986; 1000 Genomes Project 30x 0.41927; 1000 Genomes Project 0.42831; TOPMed 0.49153.
gnomAD v4.1: 1,011,978 of 1,612,924 alleles (63%); highest among the groups gnomAD compares: Middle Eastern, 70%; 328,492 homozygotes.

Submissions (2):

Laboratory for Molecular Medicine, Mass General Brigham Personalized Medicine
Classification: Benign. Last evaluated: 2016-03-29. Review status: criteria provided, single submitter. Criteria: LMM Criteria. Collection method: clinical testing. Allele origin: germline.
Comment: Variant identified in a genome or exome case(s) and assessed due to predicted null impact of the variant or pathogenic assertions in the literature or databases. Disclaimer: This variant has not undergone full assessment. The following are preliminary notes: MAF

Breakthrough Genomics
Classification: Benign. Review status: criteria provided, single submitter. Criteria: ACMG Guidelines, 2015. Collection method: not provided. Allele origin: germline. Inheritance: Unknown mechanism. Affected: yes.

NC_000011.10:g.65864791G>T

Genes: EFEMP2 (EGF-like fibulin extracellular matrix protein 2; minus strand), MUS81 (MUS81 structure-specific endonuclease subunit; plus strand). Cytogenetic location: 11q13.1.
Variant type: single nucleotide variant.
Molecular consequence: synonymous variant (on NM_025128.5). On other transcripts: non-coding transcript variant (1).
Genome position: GRCh38 VCF-style: chr11-65864791-G-T. GRCh37 (hg19) VCF-style: chr11-65632262-G-T.
Other names: c.1251G>T, p.Thr417= (NM_001350283.2); c.1248G>T, p.Thr416= (NM_025128.5).
Identifiers: ClinVar variation 402819 (VCV000402819.6), dbSNP rs558114, ClinGen allele CA6110119.